The following is an entry in ClinVar:

ClinVar aggregate classification (germline): Uncertain significance (1 of 4 stars; one submission).

Submission:

Labcorp Genetics (formerly Invitae), Labcorp
Classification: Uncertain significance. Last evaluated: 2022-05-29. Review status: criteria provided, single submitter. Criteria: Invitae Variant Classification Sherloc (09022015). Collection method: clinical testing. Allele origin: germline.
Comment: In summary, the available evidence is currently insufficient to determine the role of this variant in disease. Therefore, it has been classified as a Variant of Uncertain Significance. This sequence change creates a premature translational stop signal (p.Lys739*) in the GEN1 gene. While this is not anticipated to result in nonsense mediated decay, it is expected to disrupt the last 170 amino acid(s) of the GEN1 protein. This variant is not present in population databases (gnomAD no frequency). This variant has not been reported in the literature in individuals affected with GEN1-related conditions. Experimental studies and prediction algorithms are not available or were not evaluated, and the functional significance of this variant is currently unknown.

NM_001130009.3(GEN1):c.2215A>T (p.Lys739Ter)

Gene: GEN1 (GEN1 structure-specific endonuclease; plus strand). Cytogenetic location: 2p24.2.
Variant type: single nucleotide variant.
Coding change: c.2215A>T on transcript NM_001130009.3 (MANE Select); coding-DNA position 2215, A replaced by T.
Protein change: p.Lys739Ter; replaces lysine 739 with a stop codon.
Molecular consequence: nonsense.
Genome position (GRCh38, 1-based): chr2:17,781,427, A>T. VCF-style: chr2-17781427-A-T. GRCh37 (hg19) VCF-style: chr2-17962694-A-T.
Other names: c.2215A>T, p.Lys739Ter (NM_182625.5); short protein forms K739*.
Identifiers: ClinVar variation 2000369 (VCV002000369.4), dbSNP rs2545631778, ClinGen allele CA345927556.
Genomic context (GRCh38, chr2:17,781,427, plus strand): 5'-CTTTCAAAGGATCTTCCAGGAATTCCCTTGCAAAATGAATCCAGAGACTCTAAAATTCTA[A>T]AAGGAGACCAGCTGCTTCAAGAAGACTATAAAGTCAATACTTCTGTCCCTTATTCTGTCA-3'